The following is an entry in ClinVar:

NM_005548.3(KARS1):c.682C>T (p.Arg228Cys)

Gene: KARS1 (lysyl-tRNA synthetase 1; minus strand). Cytogenetic location: 16q23.1.
Variant type: single nucleotide variant.
Coding change: c.682C>T on transcript NM_005548.3 (MANE Select); coding-DNA position 682, C replaced by T.
Protein change: p.Arg228Cys; replaces arginine 228 with cysteine.
Molecular consequence: missense variant.
Genome position (GRCh38, 1-based): chr16:75,635,793, G>A on the plus strand (C>T on the coding strand, the complement: KARS1 is on the minus strand). VCF-style: chr16-75635793-G-A. GRCh37 (hg19) VCF-style: chr16-75669691-G-A.
Other names: c.766C>T, p.Arg256Cys (NM_001130089.2); c.214C>T, p.Arg72Cys (NM_001378148.1); short protein forms R228C, R256C, R72C.
Identifiers: ClinVar variation 3242246 (VCV003242246.1).

ClinVar aggregate classification (germline): Pathogenic (1 of 4 stars; one submission).

Conditions:
Autosomal recessive nonsyndromic hearing loss 89. Also called: Deafness, autosomal recessive 89. Identifiers: Orphanet 90636, MedGen C3151351, MONDO:0013489, OMIM 613916.

gnomAD v4.1: 13 of 1,614,188 alleles (0.00081%); highest among the groups gnomAD compares: Admixed American, 0.0067%; no homozygotes.

Submission:

Genetics Department, Hospital Ramon y Cajal-IRYCIS
Classification: Pathogenic for Autosomal recessive nonsyndromic hearing loss 89. Last evaluated: 2024-06-14. Review status: criteria provided, single submitter. Criteria: ClinGen HL ACMG Specifications v1. Collection method: research. Allele origin: paternal. Affected: yes.
Comment: Found in trans with NM_001130089.2:c.1073C>T